The following is an entry in ClinVar:

NM_000021.4(PSEN1):c.1297C>T (p.Pro433Ser)

Gene: PSEN1 (presenilin 1; plus strand). Cytogenetic location: 14q24.2.
Variant type: single nucleotide variant.
Coding change: c.1297C>T on transcript NM_000021.4 (MANE Select); coding-DNA position 1297, C replaced by T.
Protein change: p.Pro433Ser; replaces proline 433 with serine.
Molecular consequence: missense variant.
Genome position (GRCh38, 1-based): chr14:73,219,182, C>T. VCF-style: chr14-73219182-C-T. GRCh37 (hg19) VCF-style: chr14-73685890-C-T.
Other names: c.1285C>T, p.Pro429Ser (NM_007318.3); short protein forms P433S, P429S.
Identifiers: ClinVar variation 599625 (VCV000599625.1), dbSNP rs1566657804, ClinGen allele CA390306056.

ClinVar aggregate classification (germline): Likely pathogenic (1 of 4 stars; one submission).

Conditions:
Alzheimer disease. Also called: Presenile and senile dementia; Alzheimer's disease. Identifiers: Orphanet 1020, MedGen C0002395, MeSH D000544, MONDO:0004975, HP:0002511.

Submission:

Human Genetics Group at Institute of Prion Diseases London, University College London
Classification: Likely pathogenic for Alzheimer disease type 1. Last evaluated: 2017-02-01. Review status: criteria provided, single submitter. Criteria: Koriath et al. 2018. Collection method: research. Allele origin: unknown. Affected: yes. Observed: 1 variant allele.
Comment: not on exac. predicted deleterious. on the very edge of the intermembrane domain, next to several deleterious mutations, but only to one side, quite significant aminoacid change to a much smaller one

Confirmed by Sanger sequencing